The following is an entry in ClinVar:

NM_015466.4(PTPN23):c.903T>C (p.Thr301=)

Gene: PTPN23 (protein tyrosine phosphatase non-receptor type 23; plus strand). Cytogenetic location: 3p21.31.
Variant type: single nucleotide variant.
Coding change: c.903T>C on transcript NM_015466.4 (MANE Select); coding-DNA position 903, T replaced by C.
Protein change: p.Thr301=; no amino-acid change (threonine 301 retained).
Molecular consequence: synonymous variant.
Genome position (GRCh38, 1-based): chr3:47,407,347, T>C. VCF-style: chr3-47407347-T-C. GRCh37 (hg19) VCF-style: chr3-47448837-T-C.
Other names: c.525T>C, p.Thr175= (NM_001304482.2).
Identifiers: ClinVar variation 3239303 (VCV003239303.21), dbSNP rs367964758.

ClinVar aggregate classification (germline): Likely benign. Review status: criteria provided, multiple submitters, no conflicts (2 of 4 stars). 2 submissions from 2 submitters: Likely benign (2). Last evaluated 2024-11-12.

Allele frequency attached by ClinVar (database versions not stated): ExAC 0.00002; gnomAD 0.00002; TOPMed 0.00002; gnomAD exomes 0.00007; ESP Exome Variant Server 0.00008.
gnomAD v4.1: 99 of 1,613,854 alleles (0.0061%); highest among the groups gnomAD compares: Non-Finnish European, 0.0079%; no homozygotes.

Submissions (2):

Labcorp Genetics (formerly Invitae), Labcorp
Classification: Likely benign. Last evaluated: 2024-11-12. Review status: criteria provided, single submitter. Criteria: Invitae Variant Classification Sherloc (09022015). Collection method: clinical testing. Allele origin: germline.

CeGaT Center for Human Genetics Tuebingen
Classification: Likely benign. Last evaluated: 2024-05-01. Review status: criteria provided, single submitter. Criteria: CeGaT Center For Human Genetics Tuebingen Variant Classification Criteria Version 2. Collection method: clinical testing. Allele origin: germline. Affected: yes. Observed: 1 variant allele.
Comment: PTPN23: BP4, BP7